The following is an entry in ClinVar:

NM_000368.5(TSC1):c.1966G>T (p.Gly656Ter)

Gene: TSC1 (TSC complex subunit 1; minus strand). Cytogenetic location: 9q34.13.
Variant type: single nucleotide variant.
Coding change: c.1966G>T on transcript NM_000368.5 (MANE Select); coding-DNA position 1966, G replaced by T.
Protein change: p.Gly656Ter; replaces glycine 656 with a stop codon.
Molecular consequence: nonsense.
Genome position (GRCh38, 1-based): chr9:132,905,612, C>A on the plus strand (G>T on the coding strand, the complement: TSC1 is on the minus strand). VCF-style: chr9-132905612-C-A. GRCh37 (hg19) VCF-style: chr9-135780999-C-A.
Other names: c.1963G>T, p.Gly655Ter (NM_001162426.2); c.1813G>T, p.Gly605Ter (NM_001162427.2); c.1603G>T, p.Gly535Ter (NM_001362177.2); short protein forms G605*, G655*, G535*, G656*.
Identifiers: ClinVar variation 1358737 (VCV001358737.8), dbSNP rs2131809131, ClinGen allele CA375362351.

ClinVar aggregate classification (germline): Pathogenic (1 of 4 stars; one submission).

Conditions:
Tuberous sclerosis 1 (TSC1). Identifiers: Orphanet 805, MedGen C1854465, MONDO:0008612, OMIM 191100.

Submission:

Labcorp Genetics (formerly Invitae), Labcorp
Classification: Pathogenic for Tuberous sclerosis 1. Last evaluated: 2021-02-16. Review status: criteria provided, single submitter. Criteria: Invitae Variant Classification Sherloc (09022015). Collection method: clinical testing. Allele origin: germline.
Comment: For these reasons, this variant has been classified as Pathogenic. Algorithms developed to predict the effect of sequence changes on RNA splicing suggest that this variant may create or strengthen a splice site, but this prediction has not been confirmed by published transcriptional studies. This variant has been observed in individual(s) with tuberous sclerosis complex (PMID: 29932062). This variant is not present in population databases (ExAC no frequency). This sequence change creates a premature translational stop signal (p.Gly656*) in the TSC1 gene. It is expected to result in an absent or disrupted protein product. Loss-of-function variants in TSC1 are known to be pathogenic (PMID: 10227394, 17304050).

Literature cited by the submitters: PubMed 29932062; PubMed 10227394; PubMed 17304050.